The following is an entry in ClinVar:

NM_033380.3(COL4A5):c.3940C>T (p.Gln1314Ter)

Gene: COL4A5 (collagen type IV alpha 5 chain; plus strand). Cytogenetic location: Xq22.3.
Variant type: single nucleotide variant.
Coding change: c.3940C>T on transcript NM_033380.3 (MANE Select); coding-DNA position 3940, C replaced by T.
Protein change: p.Gln1314Ter; replaces glutamine 1314 with a stop codon.
Molecular consequence: nonsense.
Genome position (GRCh38, 1-based): chrX:108,677,631, C>T. VCF-style: chrX-108677631-C-T. GRCh37 (hg19) VCF-style: chrX-107920861-C-T.
Other names: c.3922C>T, p.Gln1308Ter (NM_000495.5); short protein forms Q1308*, Q1314*.
Identifiers: ClinVar variation 1256326 (VCV001256326.1), dbSNP rs2147975189, ClinGen allele CA413850920.

ClinVar aggregate classification (germline): Pathogenic (1 of 4 stars; one submission).

Submission:

Athena Diagnostics
Classification: Pathogenic. Last evaluated: 2020-10-01. Review status: criteria provided, single submitter. Criteria: Athena Diagnostics criteria. Collection method: clinical testing. Allele origin: unknown.
Comment: This variant is expected to result in the loss of a functional protein. This variant has not been reported in large, multi-ethnic general populations. This variant has been identified in at least one individual with clinical features associated with this gene.